The following is an entry in ClinVar:

ClinVar aggregate classification (germline): Likely benign (0 of 4 stars; one submission).

Conditions:
CEP290-related disorder. Also called: CEP290-related condition; CEP290-related disorders. Identifiers: MedGen CN239314.

gnomAD v4.1: 3 of 1,560,652 alleles (0.00019%); highest among the groups gnomAD compares: Non-Finnish European, 0.00026%; no homozygotes.

Submission:

PreventionGenetics, part of Exact Sciences
Classification: Likely benign for CEP290-related condition. Last evaluated: 2023-10-18. Review status: no assertion criteria provided. Collection method: clinical testing. Allele origin: germline.
Comment: This variant is classified as likely benign based on ACMG/AMP sequence variant interpretation guidelines (Richards et al. 2015 PMID: 25741868, with internal and published modifications).

NM_025114.4(CEP290):c.2265A>T (p.Gly755=)

Gene: CEP290 (centrosomal protein 290; minus strand). Cytogenetic location: 12q21.32.
Variant type: single nucleotide variant.
Coding change: c.2265A>T on transcript NM_025114.4 (MANE Select); coding-DNA position 2265, A replaced by T.
Protein change: p.Gly755=; no amino-acid change (glycine 755 retained).
Molecular consequence: synonymous variant.
Genome position (GRCh38, 1-based): chr12:88,111,304, T>A on the plus strand (A>T on the coding strand, the complement: CEP290 is on the minus strand). VCF-style: chr12-88111304-T-A. GRCh37 (hg19) VCF-style: chr12-88505081-T-A.
Identifiers: ClinVar variation 3349728 (VCV003349728.1).